The following is an entry in ClinVar:

NM_139076.3(ABRAXAS1):c.1194G>C (p.Lys398Asn)

Gene: ABRAXAS1 (abraxas 1, BRCA1 A complex subunit; minus strand). Cytogenetic location: 4q21.23.
Variant type: single nucleotide variant.
Coding change: c.1194G>C on transcript NM_139076.3 (MANE Select); coding-DNA position 1194, G replaced by C.
Protein change: p.Lys398Asn; replaces lysine 398 with asparagine.
Molecular consequence: missense variant.
Genome position (GRCh38, 1-based): chr4:83,462,505, C>G on the plus strand (G>C on the coding strand, the complement: ABRAXAS1 is on the minus strand). VCF-style: chr4-83462505-C-G. GRCh37 (hg19) VCF-style: chr4-84383658-C-G.
Other names: c.867G>C, p.Lys289Asn (NM_001345962.2); short protein forms K289N, K398N.
Identifiers: ClinVar variation 2625941 (VCV002625941.2), dbSNP rs1318264580, ClinGen allele CA357254914.

ClinVar aggregate classification (germline): Uncertain significance (1 of 4 stars; one submission).

gnomAD v4.1: 2 of 1,613,700 alleles (0.00012%); highest among the groups gnomAD compares: Admixed American, 0.0033%; no homozygotes.

Submission:

Ambry Genetics
Classification: Uncertain significance. Last evaluated: 2023-06-27. Review status: criteria provided, single submitter. Criteria: Ambry Variant Classification Scheme 2023. Collection method: clinical testing. Allele origin: germline.
Comment: The p.K398N variant (also known as c.1194G>C), located in coding exon 9 of the FAM175A gene, results from a G to C substitution at nucleotide position 1194. The lysine at codon 398 is replaced by asparagine, an amino acid with similar properties. This amino acid position is conserved. In addition, this alteration is predicted to be tolerated by in silico analysis. Since supporting evidence is limited at this time, the clinical significance of this alteration remains unclear.